The following is an entry in ClinVar:

ClinVar aggregate classification (germline): Pathogenic (0 of 4 stars; one submission).

Conditions:
Polycystic kidney disease. Also called: Polycystic kidney dysplasia; Kidney, Polycystic. Identifiers: MedGen C0022680, MeSH D007690, MONDO:0020642, HP:0000113.

Submission:

Department of Pathology and Laboratory Medicine, Sinai Health System
Classification: Pathogenic for Polycystic Kidney disease. Review status: no assertion criteria provided. Collection method: clinical testing. Allele origin: unknown. Affected: yes. Observed: 1 variant allele. Study: The Canadian Open Genetics Repository (COGR).
Comment: The PKD1 p.Asp97ValfsX2 variant was identified in 1 of 440 proband chromosomes (frequency: 0.002) from individuals or families with ADPKD (Hwang_2016_26453610). The variant was not identified in dbSNP, ClinVar, Clinvitae, COGR, LOVD 3.0, ADPKD Mutation Database, PKD1-LOVD, the 1000 Genomes Project, the NHLBI GO Exome Sequencing Project, the Exome Aggregation Consortium (August 8th 2016), or the Genome Aggregation Database (Feb 27, 2017). The c.290delA variant is predicted to cause a frameshift, which alters the protein amino acid sequence beginning at codon 97 and leads to a premature stop codon at position 98. This alteration is then predicted to result in a truncated or absent protein and loss of function. Loss of function variants of the PKD1 gene are an established mechanism of disease in autosomal dominant polycystic kidney disease and is the type of variant expected to cause the disorder. In summary, based on the above information this variant meets our laboratoryâ€šÃ„Ã´s criteria to be classified as pathogenic.

NM_001009944.3(PKD1):c.290del (p.Asp97fs)

Gene: PKD1 (polycystin 1, transient receptor potential channel interacting; minus strand). Cytogenetic location: 16p13.3.
Variant type: Deletion.
Coding change: c.290del on transcript NM_001009944.3 (MANE Select); coding-DNA position 290, one base deleted (A; older notation c.290delA).
Protein change: p.Asp97fs; shifts the reading frame from aspartic acid 97.
Molecular consequence: frameshift variant.
Genome position (GRCh38, 1-based): chr16:2,119,183, T deleted on the plus strand (A on the coding strand, the reverse complement: PKD1 is on the minus strand). VCF-style (leftmost placement, unchanged base first): chr16-2119182-AT-A. GRCh37 (hg19) VCF-style: chr16-2169183-AT-A.
Other names: c.290del, p.Asp97fs (NM_000296.4); short protein forms D97fs.
Identifiers: ClinVar variation 997295 (VCV000997295.1), dbSNP rs2092684328, ClinGen allele CA2202052703.